The following is an entry in ClinVar:

ClinVar aggregate classification (germline): Uncertain significance (1 of 4 stars; one submission).

Allele frequency attached by ClinVar (database versions not stated): ExAC 0.00002; gnomAD exomes 0.00002; TOPMed 0.00004; gnomAD 0.00005.
gnomAD v4.1: 42 of 1,613,896 alleles (0.0026%); highest among the groups gnomAD compares: Admixed American, 0.0083%; no homozygotes.

Submission:

Labcorp Genetics (formerly Invitae), Labcorp
Classification: Uncertain significance. Last evaluated: 2022-04-20. Review status: criteria provided, single submitter. Criteria: Invitae Variant Classification Sherloc (09022015). Collection method: clinical testing. Allele origin: germline.
Comment: This sequence change replaces threonine, which is neutral and polar, with methionine, which is neutral and non-polar, at codon 361 of the NDUFV1 protein (p.Thr361Met). This variant is present in population databases (rs747260667, gnomAD 0.01%). This variant has not been reported in the literature in individuals affected with NDUFV1-related conditions. Algorithms developed to predict the effect of missense changes on protein structure and function are either unavailable or do not agree on the potential impact of this missense change (SIFT: "Deleterious"; PolyPhen-2: "Possibly Damaging"; Align-GVGD: "Class C0"). In summary, the available evidence is currently insufficient to determine the role of this variant in disease. Therefore, it has been classified as a Variant of Uncertain Significance.

NM_007103.4(NDUFV1):c.1082C>T (p.Thr361Met)

Genes: NDUFV1 (NADH:ubiquinone oxidoreductase core subunit V1; plus strand), LOC126861242 (CDK7 strongly-dependent group 2 enhancer GRCh37_chr11:67379204-67380403; plus strand). Cytogenetic location: 11q13.2.
Variant type: single nucleotide variant.
Coding change: c.1082C>T on transcript NM_007103.4 (MANE Select); coding-DNA position 1082, C replaced by T.
Protein change: p.Thr361Met; replaces threonine 361 with methionine.
Molecular consequence: missense variant.
Genome position (GRCh38, 1-based): chr11:67,611,898, C>T. VCF-style: chr11-67611898-C-T. GRCh37 (hg19) VCF-style: chr11-67379369-C-T.
Other names: c.1055C>T, p.Thr352Met (NM_001166102.2); short protein forms T361M, T352M.
Identifiers: ClinVar variation 1987040 (VCV001987040.1), dbSNP rs747260667, ClinGen allele CA6143399.